The following is an entry in ClinVar:

ClinVar aggregate classification (germline): Benign. Review status: criteria provided, multiple submitters, no conflicts (2 of 4 stars). 2 submissions from 2 submitters: Benign (2). Last evaluated 2018-06-18.

Allele frequency attached by ClinVar (database versions not stated): 1000 Genomes Project 0.03654; 1000 Genomes Project 30x 0.03701; TOPMed 0.07167; gnomAD 0.07452 and 0.07622; gnomAD exomes 0.08064 and 0.10533; ExAC 0.08461; ESP Exome Variant Server 0.08704.
gnomAD v4.1: 161,047 of 1,581,766 alleles (10%); highest among the groups gnomAD compares: Non-Finnish European, 12%; 9,159 homozygotes.

Submissions (2):

GeneDx
Classification: Benign. Last evaluated: 2018-06-18. Review status: criteria provided, single submitter. Criteria: GeneDx Variant Classification (06012015). Collection method: clinical testing. Allele origin: germline. Affected: yes.
Comment: This variant is considered likely benign or benign based on one or more of the following criteria: it is a conservative change, it occurs at a poorly conserved position in the protein, it is predicted to be benign by multiple in silico algorithms, and/or has population frequency not consistent with disease.

Breakthrough Genomics
Classification: Benign. Review status: criteria provided, single submitter. Criteria: ACMG Guidelines, 2015. Collection method: not provided. Allele origin: germline. Inheritance: Autosomal dominant inheritance. Affected: yes.

NM_003072.5(SMARCA4):c.2439-33C>T

Gene: SMARCA4 (SWI/SNF related BAF chromatin remodeling complex subunit ATPase 4; plus strand). Cytogenetic location: 19p13.2.
Variant type: single nucleotide variant.
Coding change: c.2439-33C>T on transcript NM_003072.5 (MANE Select); 33 bases into the intron before coding-DNA position 2439, C replaced by T.
Molecular consequence: intron variant.
Genome position (GRCh38, 1-based): chr19:11,018,924, C>T. VCF-style: chr19-11018924-C-T. GRCh37 (hg19) VCF-style: chr19-11129600-C-T.
Other names: c.2439-33C>T (NM_001128844.3, NM_001128849.3, NM_001128847.4 and 5 more transcripts).
Identifiers: ClinVar variation 676520 (VCV000676520.2), dbSNP rs62129061, ClinGen allele CA9204119.
Genomic context (GRCh38, chr19:11,018,924, plus strand): 5'-TGGCCTCGCCCCTGACAGCCAGTGGCTATGGGTTTGCACAGTGAGCCATTGATGAGAGAC[C>T]GGCACTTGACTCTCATTTCCTTGTTCCATCAGAACGCTGTCCAACTGGGCGTACGAGTTT-3'